The following is an entry in ClinVar:

NM_001042492.3(NF1):c.4227G>T (p.Met1409Ile)

Gene: NF1 (neurofibromin 1; plus strand). Cytogenetic location: 17q11.2.
Variant type: single nucleotide variant.
Coding change: c.4227G>T on transcript NM_001042492.3 (MANE Select); coding-DNA position 4227, G replaced by T.
Protein change: p.Met1409Ile; replaces methionine 1409 with isoleucine.
Molecular consequence: missense variant.
Genome position (GRCh38, 1-based): chr17:31,258,397, G>T. VCF-style: chr17-31258397-G-T. GRCh37 (hg19) VCF-style: chr17-29585415-G-T.
Other names: c.4164G>T, p.Met1388Ile (NM_000267.4); short protein forms M1388I, M1409I.
Identifiers: ClinVar variation 1718381 (VCV001718381.5), dbSNP rs786201895, ClinGen allele CA398997796.

ClinVar aggregate classification (germline): Uncertain significance (1 of 4 stars; one submission).

Conditions:
Neurofibromatosis, type 1 (NF1). Also called: Peripheral type neurofibromatosis; VON RECKLINGHAUSEN DISEASE; NEUROFIBROMATOSIS, TYPE I, SOMATIC; Neurofibromatosis, type I. Identifiers: Orphanet 636, MedGen C0027831, MONDO:0018975, OMIM 162200. Disease mechanism: loss of function.

Submission:

Labcorp Genetics (formerly Invitae), Labcorp
Classification: Uncertain significance for Neurofibromatosis, type 1. Last evaluated: 2022-07-19. Review status: criteria provided, single submitter. Criteria: Invitae Variant Classification Sherloc (09022015). Collection method: clinical testing. Allele origin: germline.
Comment: Algorithms developed to predict the effect of missense changes on protein structure and function (SIFT, PolyPhen-2, Align-GVGD) all suggest that this variant is likely to be tolerated. In summary, the available evidence is currently insufficient to determine the role of this variant in disease. Therefore, it has been classified as a Variant of Uncertain Significance. This variant disrupts the p.Met1388 amino acid residue in NF1. Other variant(s) that disrupt this residue have been determined to be pathogenic (Invitae). This suggests that this residue is clinically significant, and that variants that disrupt this residue are likely to be disease-causing. This variant has not been reported in the literature in individuals affected with NF1-related conditions. This variant is not present in population databases (gnomAD no frequency). This sequence change replaces methionine, which is neutral and non-polar, with isoleucine, which is neutral and non-polar, at codon 1388 of the NF1 protein (p.Met1388Ile).